The following is an entry in ClinVar:

ClinVar aggregate classification (germline): Uncertain significance (1 of 4 stars; one submission).

Allele frequency attached by ClinVar (database versions not stated): gnomAD exomes below 0.00001.
gnomAD v4.1: 1 of 1,614,206 alleles (0.000062%); highest among the groups gnomAD compares: South Asian, 0.0011%; no homozygotes.

Submission:

Ambry Genetics
Classification: Uncertain significance. Last evaluated: 2022-09-26. Review status: criteria provided, single submitter. Criteria: Ambry Variant Classification Scheme 2023. Collection method: clinical testing. Allele origin: germline.
Comment: The p.P123L variant (also known as c.368C>T), located in coding exon 5 of the RAD54L gene, results from a C to T substitution at nucleotide position 368. The proline at codon 123 is replaced by leucine, an amino acid with similar properties. This amino acid position is conserved. In addition, the in silico prediction for this alteration is inconclusive. Since supporting evidence is limited at this time, the clinical significance of this alteration remains unclear.

NM_003579.4(RAD54L):c.368C>T (p.Pro123Leu)

Gene: RAD54L (RAD54 like; plus strand). Cytogenetic location: 1p34.1.
Variant type: single nucleotide variant.
Coding change: c.368C>T on transcript NM_003579.4 (MANE Select); coding-DNA position 368, C replaced by T.
Protein change: p.Pro123Leu; replaces proline 123 with leucine.
Molecular consequence: missense variant. On other transcripts: 5 prime UTR variant (1).
Genome position (GRCh38, 1-based): chr1:46,260,060, C>T. VCF-style: chr1-46260060-C-T. GRCh37 (hg19) VCF-style: chr1-46725732-C-T.
Other names: c.368C>T, p.Pro123Leu (NM_001142548.2); c.-173C>T (NM_001370766.1); short protein forms P123L.
Identifiers: ClinVar variation 1733949 (VCV001733949.2), dbSNP rs2525665053, ClinGen allele CA340182549.